The following is an entry in ClinVar:

ClinVar aggregate classification (germline): Pathogenic (1 of 4 stars; one submission).

Conditions:
Hereditary cancer-predisposing syndrome. Also called: Tumor predisposition; Hereditary neoplastic syndrome; Hereditary Cancer Syndrome; Neoplastic Syndromes, Hereditary. Identifiers: Orphanet 140162, MedGen C0027672, MeSH D009386, MONDO:0015356.

Submission:

Ambry Genetics
Classification: Pathogenic for Hereditary cancer-predisposing syndrome. Last evaluated: 2024-02-06. Review status: criteria provided, single submitter. Criteria: Ambry Variant Classification Scheme 2023. Collection method: clinical testing. Allele origin: germline.
Comment: The c.2164delG pathogenic mutation, located in coding exon 8 of the BLM gene, results from a deletion of one nucleotide at nucleotide position 2164, causing a translational frameshift with a predicted alternate stop codon (p.D722Ifs*6). This variant is considered to be rare based on population cohorts in the Genome Aggregation Database (gnomAD). This alteration is expected to result in loss of function by premature protein truncation or nonsense-mediated mRNA decay. As such, this alteration is interpreted as a disease-causing mutation.

NM_000057.4(BLM):c.2164del (p.Asp722fs)

Gene: BLM (BLM RecQ like helicase; plus strand). Cytogenetic location: 15q26.1.
Variant type: Deletion.
Coding change: c.2164del on transcript NM_000057.4 (MANE Select); coding-DNA position 2164, one base deleted (G; older notation c.2164delG).
Protein change: p.Asp722fs; shifts the reading frame from aspartic acid 722.
Molecular consequence: frameshift variant.
Genome position (GRCh38, 1-based): chr15:90,765,385, G deleted. VCF-style (leftmost placement, unchanged base first): chr15-90765384-AG-A. GRCh37 (hg19) VCF-style: chr15-91308614-AG-A.
Other names: c.2164del, p.Asp722fs (NM_001287246.2, NM_001287247.2); c.1039del, p.Asp347fs (NM_001287248.2); short protein forms D347fs, D722fs.
Identifiers: ClinVar variation 3224170 (VCV003224170.1), dbSNP rs2505441711, ClinGen allele CA2825002317.